The following is an entry in ClinVar:

ClinVar aggregate classification (germline): Benign/Likely benign. Review status: criteria provided, multiple submitters, no conflicts (2 of 4 stars). 4 submissions from 4 submitters: Benign (1); Likely benign (3). Last evaluated 2025-08-17.

Conditions:
Hereditary cancer-predisposing syndrome. Also called: Hereditary neoplastic syndrome; Hereditary Cancer Syndrome; Neoplastic Syndromes, Hereditary; Tumor predisposition. Identifiers: Orphanet 140162, MedGen C0027672, MeSH D009386, MONDO:0015356.
Hereditary nonpolyposis colorectal neoplasms. Identifiers: MedGen C0009405, MeSH D003123.
Lynch syndrome 4 (LYNCH4). Also called: Hereditary non-polyposis colorectal cancer, type 4; Colorectal cancer, hereditary nonpolyposis, type 4. Identifiers: Orphanet 144, MedGen C1838333, MONDO:0013699, OMIM 614337. Disease mechanism: loss of function.

gnomAD v4.1: 1 of 1,614,084 alleles (0.000062%); highest among the groups gnomAD compares: Non-Finnish European, 0.000085%; no homozygotes.

Submissions (4):

Labcorp Genetics (formerly Invitae), Labcorp
Classification: Likely benign for Hereditary nonpolyposis colorectal neoplasms. Last evaluated: 2025-08-17. Review status: criteria provided, single submitter. Criteria: Invitae Variant Classification Sherloc (09022015). Collection method: clinical testing. Allele origin: germline.

Myriad Genetics, Inc.
Classification: Benign for Lynch syndrome 4. Last evaluated: 2025-01-31. Review status: criteria provided, single submitter. Criteria: Myriad Autosomal Dominant, Autosomal Recessive and X-Linked Classification Criteria (2023). Collection method: clinical testing. Allele origin: unknown.
Comment: This variant is considered benign. This variant is a silent/synonymous amino acid change and it is not expected to impact splicing.

Ambry Genetics
Classification: Likely benign for Hereditary cancer-predisposing syndrome. Last evaluated: 2018-07-11. Review status: criteria provided, single submitter. Criteria: Ambry Variant Classification Scheme 2023. Collection method: clinical testing. Allele origin: germline.

GeneDx
Classification: Likely benign. Last evaluated: 2017-03-10. Review status: criteria provided, single submitter. Criteria: GeneDx Variant Classification (06012015). Collection method: clinical testing. Allele origin: germline. Affected: yes.
Comment: This variant is considered likely benign or benign based on one or more of the following criteria: it is a conservative change, it occurs at a poorly conserved position in the protein, it is predicted to be benign by multiple in silico algorithms, and/or has population frequency not consistent with disease.

NM_000535.7(PMS2):c.1812G>A (p.Gln604=)

Gene: PMS2 (PMS1 homolog 2, mismatch repair system component; minus strand). Cytogenetic location: 7p22.1.
Variant type: single nucleotide variant.
Coding change: c.1812G>A on transcript NM_000535.7 (MANE Select); coding-DNA position 1812, G replaced by A.
Protein change: p.Gln604=; no amino-acid change (glutamine 604 retained).
Molecular consequence: synonymous variant. On other transcripts: non-coding transcript variant (1).
Genome position (GRCh38, 1-based): chr7:5,986,953, C>T on the plus strand (G>A on the coding strand, the complement: PMS2 is on the minus strand). VCF-style: chr7-5986953-C-T. GRCh37 (hg19) VCF-style: chr7-6026584-C-T.
Other names: c.1407G>A, p.Gln469= (NM_001322003.2, NM_001322004.2, NM_001322005.2 and 1 more transcripts); c.1656G>A, p.Gln552= (NM_001322006.2); c.1494G>A, p.Gln498= (NM_001322007.2, NM_001322008.2); c.1251G>A, p.Gln417= (NM_001322010.2); c.879G>A, p.Gln293= (NM_001322011.2, NM_001322012.2); c.1239G>A, p.Gln413= (NM_001322013.2); c.1812G>A, p.Gln604= (NM_001322014.2); c.1503G>A, p.Gln501= (NM_001322015.2).
Identifiers: ClinVar variation 507968 (VCV000507968.15), dbSNP rs63750788, ClinGen allele CA153227593.